The following is an entry in ClinVar:

NM_153026.3(PRICKLE1):c.1137T>A (p.Ser379Arg)

Genes: PRICKLE1 (prickle planar cell polarity protein 1; minus strand), LOC126861509 (BRD4-independent group 4 enhancer GRCh37_chr12:42858567-42859766; plus strand). Cytogenetic location: 12q12.
Variant type: single nucleotide variant.
Coding change: c.1137T>A on transcript NM_153026.3 (MANE Select); coding-DNA position 1137, T replaced by A.
Protein change: p.Ser379Arg; replaces serine 379 with arginine.
Molecular consequence: missense variant.
Genome position (GRCh38, 1-based): chr12:42,464,897, A>T on the plus strand (T>A on the coding strand, the complement: PRICKLE1 is on the minus strand). VCF-style: chr12-42464897-A-T. GRCh37 (hg19) VCF-style: chr12-42858699-A-T.
Other names: c.1137T>A, p.Ser379Arg (NM_001144881.2, NM_001144882.2, NM_001144883.2); short protein forms S379R.
Identifiers: ClinVar variation 942533 (VCV000942533.10), dbSNP rs1938026797, ClinGen allele CA384442389.

ClinVar aggregate classification (germline): Uncertain significance (1 of 4 stars; one submission).

Conditions:
Epilepsy, progressive myoclonic, 1B. Also called: PME. Identifiers: Orphanet 308, MedGen C2676254, MONDO:0012904, OMIM 612437.

Submission:

Labcorp Genetics (formerly Invitae), Labcorp
Classification: Uncertain significance for Epilepsy, progressive myoclonic, 1B. Last evaluated: 2019-09-18. Review status: criteria provided, single submitter. Criteria: Invitae Variant Classification Sherloc (09022015). Collection method: clinical testing. Allele origin: germline.
Comment: In summary, the available evidence is currently insufficient to determine the role of this variant in disease. Therefore, it has been classified as a Variant of Uncertain Significance. Algorithms developed to predict the effect of missense changes on protein structure and function are either unavailable or do not agree on the potential impact of this missense change (SIFT: "Deleterious"; PolyPhen-2: "Benign"; Align-GVGD: "Class C0"). This variant has not been reported in the literature in individuals with PRICKLE1-related conditions. This variant is not present in population databases (ExAC no frequency). This sequence change replaces serine with arginine at codon 379 of the PRICKLE1 protein (p.Ser379Arg). The serine residue is highly conserved and there is a moderate physicochemical difference between serine and arginine.